The following is an entry in ClinVar:

NM_004260.4(RECQL4):c.904C>T (p.Pro302Ser)

Gene: RECQL4 (RecQ like helicase 4; minus strand). Cytogenetic location: 8q24.3.
Variant type: single nucleotide variant.
Coding change: c.904C>T on transcript NM_004260.4 (MANE Select); coding-DNA position 904, C replaced by T.
Protein change: p.Pro302Ser; replaces proline 302 with serine.
Molecular consequence: missense variant.
Genome position (GRCh38, 1-based): chr8:144,516,215, G>A on the plus strand (C>T on the coding strand, the complement: RECQL4 is on the minus strand). VCF-style: chr8-144516215-G-A. GRCh37 (hg19) VCF-style: chr8-145741599-G-A.
Other names: short protein forms P302S.
Identifiers: ClinVar variation 842358 (VCV000842358.6), dbSNP rs771135444, ClinGen allele CA4949146.

ClinVar aggregate classification (germline): Uncertain significance (1 of 4 stars; one submission).

Conditions:
Baller-Gerold syndrome (BGS). Also called: CRANIOSYNOSTOSIS WITH RADIAL DEFECTS. Identifiers: Orphanet 1225, MedGen C0265308, MONDO:0009039, OMIM 218600.

Allele frequency attached by ClinVar (database versions not stated): gnomAD 0.00001.

Submission:

Labcorp Genetics (formerly Invitae), Labcorp
Classification: Uncertain significance for Baller-Gerold syndrome. Last evaluated: 2024-05-08. Review status: criteria provided, single submitter. Criteria: Invitae Variant Classification Sherloc (09022015). Collection method: clinical testing. Allele origin: germline.
Comment: This sequence change replaces proline, which is neutral and non-polar, with serine, which is neutral and polar, at codon 302 of the RECQL4 protein (p.Pro302Ser). This variant is present in population databases (rs771135444, gnomAD 0.0009%). This variant has not been reported in the literature in individuals affected with RECQL4-related conditions. ClinVar contains an entry for this variant (Variation ID: 842358). Advanced modeling of protein sequence and biophysical properties (such as structural, functional, and spatial information, amino acid conservation, physicochemical variation, residue mobility, and thermodynamic stability) performed at Invitae indicates that this missense variant is not expected to disrupt RECQL4 protein function with a negative predictive value of 80%. In summary, the available evidence is currently insufficient to determine the role of this variant in disease. Therefore, it has been classified as a Variant of Uncertain Significance.